The following is an entry in ClinVar:

ClinVar aggregate classification (germline): Uncertain significance. Review status: criteria provided, multiple submitters, no conflicts (2 of 4 stars). 3 submissions from 3 submitters: Uncertain significance (3). Last evaluated 2026-05-27.

Conditions:
CYP4V2-related disorder. Also called: CYP4V2-related disorders; CYP4V2-related condition.

Allele frequency attached by ClinVar (database versions not stated): ESP Exome Variant Server 0.00008; 1000 Genomes Project 0.00020; 1000 Genomes Project 30x 0.00031; gnomAD 0.00002 and 0.00004; ExAC 0.00003; gnomAD exomes 0.00005; TOPMed 0.00005.
gnomAD v4.1: 78 of 1,613,968 alleles (0.0048%); highest among the groups gnomAD compares: East Asian, 0.031%; no homozygotes.

Submissions (3):

PreventionGenetics, part of Exact Sciences
Classification: Uncertain significance for CYP4V2-related condition. Last evaluated: 2026-05-27. Review status: criteria provided, single submitter. Criteria: ACMG Guidelines, 2015. Collection method: clinical testing. Allele origin: germline.
Comment: The CYP4V2 c.1354C>T variant is predicted to result in the amino acid substitution p.Arg452Cys. This variant was reported in large cohorts of individuals with corneal dystrophy (Meng et al. 2019. PubMed ID: 31741654; supplementary data, Li et al. 2021. PubMed ID: 33816482). This variant is reported in 0.038% of alleles in individuals of East Asian descent in gnomAD. At this time, the clinical significance of this variant is uncertain due to the absence of conclusive functional and genetic evidence.

Blueprint Genetics
Classification: Uncertain significance. Last evaluated: 2024-07-24. Review status: criteria provided, single submitter. Criteria: ACMG Guidelines, 2015. Collection method: clinical testing. Allele origin: germline.

Labcorp Genetics (formerly Invitae), Labcorp
Classification: Uncertain significance. Last evaluated: 2022-08-09. Review status: criteria provided, single submitter. Criteria: Invitae Variant Classification Sherloc (09022015). Collection method: clinical testing. Allele origin: germline.
Comment: This sequence change replaces arginine, which is basic and polar, with cysteine, which is neutral and slightly polar, at codon 452 of the CYP4V2 protein (p.Arg452Cys). This variant is present in population databases (rs373329783, gnomAD 0.04%). This missense change has been observed in individual(s) with CYP4V2-related conditions (PMID: 31741654, 33816482). ClinVar contains an entry for this variant (Variation ID: 1046129). Algorithms developed to predict the effect of missense changes on protein structure and function are either unavailable or do not agree on the potential impact of this missense change (SIFT: "Deleterious"; PolyPhen-2: "Probably Damaging"; Align-GVGD: "Class C0"). In summary, the available evidence is currently insufficient to determine the role of this variant in disease. Therefore, it has been classified as a Variant of Uncertain Significance.

Literature cited by the submitters: PubMed 31741654 (cited by Labcorp Genetics (formerly Invitae), Labcorp); PubMed 33816482 (cited by Labcorp Genetics (formerly Invitae), Labcorp).

NM_207352.4(CYP4V2):c.1354C>T (p.Arg452Cys)

Gene: CYP4V2 (cytochrome P450 family 4 subfamily V member 2; plus strand). Cytogenetic location: 4q35.2.
Variant type: single nucleotide variant.
Coding change: c.1354C>T on transcript NM_207352.4 (MANE Select); coding-DNA position 1354, C replaced by T.
Protein change: p.Arg452Cys; replaces arginine 452 with cysteine.
Molecular consequence: missense variant.
Genome position (GRCh38, 1-based): chr4:186,209,221, C>T. VCF-style: chr4-186209221-C-T. GRCh37 (hg19) VCF-style: chr4-187130375-C-T.
Other names: c.1354C>T (NM_207352.3); short protein forms R452C.
Identifiers: ClinVar variation 1046129 (VCV001046129.8), dbSNP rs373329783, ClinGen allele CA3162839.
Genomic context (GRCh38, chr4:186,209,221, plus strand): 5'-TACTTCCCCAACCCCGAGGAGTTCCAGCCTGAGCGGTTCTTCCCCGAGAATGCACAAGGG[C>T]GCCATCCATATGCCTACGTGCCCTTCTCTGCTGGCCCCAGGAACTGTATAGGTTTGTATC-3'
Protein context (NP_997235.3, residues 442-462): ERFFPENAQG[Arg452Cys]HPYAYVPFSA